The following is an entry in ClinVar:

ClinVar aggregate classification (germline): Likely benign. Review status: criteria provided, multiple submitters, no conflicts (2 of 4 stars). 2 submissions from 2 submitters: Likely benign (2). Last evaluated 2023-10-01.

Allele frequency attached by ClinVar (database versions not stated): ESP Exome Variant Server 0.00008; ExAC 0.00010; TOPMed 0.00014; gnomAD 0.00019.
gnomAD v4.1: 243 of 1,613,938 alleles (0.015%); highest among the groups gnomAD compares: Non-Finnish European, 0.018%; no homozygotes.

Submissions (2):

CeGaT Center for Human Genetics Tuebingen
Classification: Likely benign. Last evaluated: 2023-10-01. Review status: criteria provided, single submitter. Criteria: CeGaT Center For Human Genetics Tuebingen Variant Classification Criteria Version 2. Collection method: clinical testing. Allele origin: germline. Affected: yes. Observed: 1 variant allele.
Comment: YEATS2: BP4

Ambry Genetics
Classification: Likely benign. Last evaluated: 2022-11-18. Review status: criteria provided, single submitter. Criteria: Ambry Variant Classification Scheme 2023. Collection method: clinical testing. Allele origin: germline.

NM_018023.5(YEATS2):c.1807G>A (p.Ala603Thr)

Gene: YEATS2 (YEATS domain containing 2; plus strand). Cytogenetic location: 3q27.1.
Variant type: single nucleotide variant.
Coding change: c.1807G>A on transcript NM_018023.5 (MANE Select); coding-DNA position 1807, G replaced by A.
Protein change: p.Ala603Thr; replaces alanine 603 with threonine.
Molecular consequence: missense variant.
Genome position (GRCh38, 1-based): chr3:183,762,139, G>A. VCF-style: chr3-183762139-G-A. GRCh37 (hg19) VCF-style: chr3-183479927-G-A.
Other names: c.1807G>A, p.Ala603Thr (NM_001351369.2, NM_001351371.2); c.1810G>A, p.Ala604Thr (NM_001351370.2); short protein forms A603T, A604T.
Identifiers: ClinVar variation 2378882 (VCV002378882.26), dbSNP rs372202944, ClinGen allele CA2722412.